The following is an entry in ClinVar:

ClinVar aggregate classification (germline): Pathogenic. Review status: criteria provided, multiple submitters, no conflicts (2 of 4 stars). 2 submissions from 2 submitters: Pathogenic (2). Last evaluated 2024-02-11.

Conditions:
Hereditary cancer-predisposing syndrome. Also called: Neoplastic Syndromes, Hereditary; Tumor predisposition; Hereditary Cancer Syndrome; Hereditary neoplastic syndrome. Identifiers: Orphanet 140162, MedGen C0027672, MeSH D009386, MONDO:0015356.
Hereditary breast ovarian cancer syndrome. Also called: Hereditary breast and/or ovarian cancer syndrome; BRCA1- and BRCA2-Associated Hereditary Breast and Ovarian Cancer; Hereditary breast and ovarian cancer syndrome; Hereditary breast and ovarian cancer; Hereditary breast and ovarian cancer syndrome (HBOC); Breast and ovarian cancer. Identifiers: Orphanet 145, MedGen C0677776, MeSH D061325, MONDO:0003582. Disease mechanism: loss of function.

Submissions (2):

Labcorp Genetics (formerly Invitae), Labcorp
Classification: Pathogenic for Hereditary breast ovarian cancer syndrome. Last evaluated: 2024-02-11. Review status: criteria provided, single submitter. Criteria: Invitae Variant Classification Sherloc (09022015). Collection method: clinical testing. Allele origin: germline.
Comment: This sequence change creates a premature translational stop signal (p.Ile783Leufs*6) in the BRCA1 gene. It is expected to result in an absent or disrupted protein product. Loss-of-function variants in BRCA1 are known to be pathogenic (PMID: 20104584). This variant is not present in population databases (gnomAD no frequency). This variant has not been reported in the literature in individuals affected with BRCA1-related conditions. ClinVar contains an entry for this variant (Variation ID: 821131). For these reasons, this variant has been classified as Pathogenic.

Ambry Genetics
Classification: Pathogenic for Hereditary cancer-predisposing syndrome. Last evaluated: 2018-12-05. Review status: criteria provided, single submitter. Criteria: Ambry Variant Classification Scheme 2023. Collection method: clinical testing. Allele origin: germline.
Comment: The c.2347_2348delAT pathogenic mutation, located in coding exon 9 of the BRCA1 gene, results from a deletion of two nucleotides at nucleotide positions 2347 to 2348, causing a translational frameshift with a predicted alternate stop codon (p.I783Lfs*6). This alteration is expected to result in loss of function by premature protein truncation or nonsense-mediated mRNA decay. As such, this alteration is interpreted as a disease-causing mutation.

Literature cited by the submitters: PubMed 20104584 (cited by Labcorp Genetics (formerly Invitae), Labcorp); PubMed 26580448 (cited by Ambry Genetics).

NM_007294.4(BRCA1):c.2347_2348del (p.Ile783fs)

Gene: BRCA1 (BRCA1 DNA repair associated; minus strand). Cytogenetic location: 17q21.31.
Variant type: Deletion.
Coding change: c.2347_2348del on transcript NM_007294.4 (MANE Select); coding-DNA positions 2347 to 2348, 2 bases deleted (AT; older notation c.2347_2348delAT).
Protein change: p.Ile783fs; shifts the reading frame from isoleucine 783.
Molecular consequence: frameshift variant. On other transcripts: intron variant (137).
Genome position (GRCh38, 1-based): chr17:43,093,183-43,093,184, AT deleted on the plus strand (AT on the coding strand, the reverse complement: BRCA1 is on the minus strand); deleting any 2 consecutive bases within chr17:43,093,183-43,093,185 gives the same sequence; the c. name uses the placement nearest the transcript's 3' end. VCF-style (leftmost placement, unchanged base first): chr17-43093182-GAT-G. GRCh37 (hg19) VCF-style: chr17-41245199-GAT-G.
Other names: c.664+1560_664+1561del (NM_001408444.1, NM_001408438.1, NM_001408430.1 and 12 more transcripts); c.671-2152_671-2151del (NM_001408423.1, NM_001408420.1, NM_001408419.1 and 2 more transcripts); c.787+1560_787+1561del (NM_001408404.1, NM_001407974.1, NM_001407990.1 and 17 more transcripts); c.788-1045_788-1044del (NM_001407969.1, NM_001407968.1); c.2347_2348delAT (NM_007294.3); c.2221_2222del, p.Ile741fs (NM_001407686.1, NM_001407687.1, NM_001407688.1 and 11 more transcripts); c.2206_2207del, p.Ile736fs (NM_001407692.1, NM_001407694.1, NM_001407695.1 and 29 more transcripts); c.2203_2204del, p.Ile735fs (NM_001407740.1, NM_001407741.1, NM_001407742.1 and 20 more transcripts); and 42 more; short protein forms I736fs, I783fs, I672fs, I694fs, I741fs, I757fs, I780fs, I487fs.
Identifiers: ClinVar variation 821131 (VCV000821131.8), dbSNP rs1597870555, ClinGen allele CA915950084.